The following is an entry in ClinVar:

ClinVar aggregate classification (germline): Pathogenic (1 of 4 stars; one submission).

Submission:

Labcorp Genetics (formerly Invitae), Labcorp
Classification: Pathogenic. Last evaluated: 2022-09-09. Review status: criteria provided, single submitter. Criteria: Invitae Variant Classification Sherloc (09022015). Collection method: clinical testing. Allele origin: germline.
Comment: This variant has not been reported in the literature in individuals affected with TTLL5-related conditions. This variant is a gross deletion of the genomic region encompassing exon(s) 7-17 of the TTLL5 gene. This deletion is out-of-frame, and is expected to create a premature termination codon and result in an absent or disrupted protein product. Loss-of-function variants in TTLL5 are known to be pathogenic (PMID: 24791901, 27162334). For these reasons, this variant has been classified as Pathogenic.

Literature cited by the submitters: PubMed 24791901; PubMed 27162334.

NC_000014.8:g.(?_76165511)_(76211944_?)del

Gene: TTLL5 (tubulin tyrosine ligase like 5; plus strand). Cytogenetic location: 14q24.3.
Variant type: Deletion.
Identifiers: ClinVar variation 2426057 (VCV002426057.4).